The following is an entry in ClinVar:

NM_020435.4(GJC2):c.1150C>A (p.Pro384Thr)

Gene: GJC2 (gap junction protein gamma 2; plus strand). Cytogenetic location: 1q42.13.
Variant type: single nucleotide variant.
Coding change: c.1150C>A on transcript NM_020435.4 (MANE Select); coding-DNA position 1150, C replaced by A.
Protein change: p.Pro384Thr; replaces proline 384 with threonine.
Molecular consequence: missense variant.
Genome position (GRCh38, 1-based): chr1:228,158,908, C>A. VCF-style: chr1-228158908-C-A. GRCh37 (hg19) VCF-style: chr1-228346609-C-A.
Other names: short protein forms P384T.
Identifiers: ClinVar variation 3367537 (VCV003367537.1).

ClinVar aggregate classification (germline): Uncertain significance (1 of 4 stars; one submission).

Submission:

GeneDx
Classification: Uncertain significance. Last evaluated: 2024-01-02. Review status: criteria provided, single submitter. Criteria: GeneDx Variant Classification Process June 2021. Collection method: clinical testing. Allele origin: germline. Affected: yes.
Comment: Not observed at significant frequency in large population cohorts (gnomAD); In silico analysis supports that this missense variant does not alter protein structure/function; Has not been previously published as pathogenic or benign to our knowledge